The following is an entry in ClinVar:

NM_015425.6(POLR1A):c.2591A>T (p.Lys864Met)

Gene: POLR1A (RNA polymerase I subunit A; minus strand). Cytogenetic location: 2p11.2.
Variant type: single nucleotide variant.
Coding change: c.2591A>T on transcript NM_015425.6 (MANE Select); coding-DNA position 2591, A replaced by T.
Protein change: p.Lys864Met; replaces lysine 864 with methionine.
Molecular consequence: missense variant.
Genome position (GRCh38, 1-based): chr2:86,048,927, T>A on the plus strand (A>T on the coding strand, the complement: POLR1A is on the minus strand). VCF-style: chr2-86048927-T-A. GRCh37 (hg19) VCF-style: chr2-86276050-T-A.
Other names: short protein forms K864M.
Identifiers: ClinVar variation 4732160 (VCV004732160.1).

ClinVar aggregate classification (germline): Uncertain significance (1 of 4 stars; one submission).

Submission:

Labcorp Genetics (formerly Invitae), Labcorp
Classification: Uncertain significance. Last evaluated: 2025-03-18. Review status: criteria provided, single submitter. Criteria: Invitae Variant Classification Sherloc (09022015). Collection method: clinical testing. Allele origin: germline.
Comment: This sequence change replaces lysine, which is basic and polar, with methionine, which is neutral and non-polar, at codon 864 of the POLR1A protein (p.Lys864Met). This variant is not present in population databases (gnomAD no frequency). This variant has not been reported in the literature in individuals affected with POLR1A-related conditions. Invitae Evidence Modeling of protein sequence and biophysical properties (such as structural, functional, and spatial information, amino acid conservation, physicochemical variation, residue mobility, and thermodynamic stability) indicates that this missense variant is expected to disrupt POLR1A protein function with a positive predictive value of 80%. In summary, the available evidence is currently insufficient to determine the role of this variant in disease. Therefore, it has been classified as a Variant of Uncertain Significance.